The following is an entry in ClinVar:

NM_201384.3(PLEC):c.2369C>A (p.Ala790Asp)

Gene: PLEC (plectin; minus strand). Cytogenetic location: 8q24.3.
Variant type: single nucleotide variant.
Coding change: c.2369C>A on transcript NM_201384.3 (MANE Select); coding-DNA position 2369, C replaced by A.
Protein change: p.Ala790Asp; replaces alanine 790 with aspartic acid.
Molecular consequence: missense variant.
Genome position (GRCh38, 1-based): chr8:143,930,472, G>T on the plus strand (C>A on the coding strand, the complement: PLEC is on the minus strand). VCF-style: chr8-143930472-G-T. GRCh37 (hg19) VCF-style: chr8-145004640-G-T.
Other names: c.2450C>A, p.Ala817Asp (NM_000445.5); c.2327C>A, p.Ala776Asp (NM_201378.4); c.2303C>A, p.Ala768Asp (NM_201379.3); c.2780C>A, p.Ala927Asp (NM_201380.4); c.2273C>A, p.Ala758Asp (NM_201381.3); c.2369C>A, p.Ala790Asp (NM_201382.4); c.2381C>A, p.Ala794Asp (NM_201383.3); short protein forms A758D, A794D, A768D, A776D, A927D, A790D, A817D.
Identifiers: ClinVar variation 1384429 (VCV001384429.6), dbSNP rs2131792648, ClinGen allele CA372574779.

ClinVar aggregate classification (germline): Uncertain significance (1 of 4 stars; one submission).

Conditions:
Epidermolysis bullosa simplex 5B, with muscular dystrophy (EBS5B). Also called: Epidermolysis bullosa simplex with muscular dystrophy; EPIDERMOLYSIS BULLOSA SIMPLEX AND LIMB-GIRDLE MUSCULAR DYSTROPHY. Identifiers: Orphanet 257, MedGen C2931072, MONDO:0009181, OMIM 226670.
Epidermolysis bullosa simplex, Ogna type (EBS5A). Also called: Pidermolysis bullosa simplex 5A, Ogna type; EPIDERMOLYSIS BULLOSA SIMPLEX 5A, OGNA TYPE. Identifiers: Orphanet 79401, MedGen C0432317, MONDO:0007555, OMIM 131950.
Autosomal recessive limb-girdle muscular dystrophy type 2Q (LGMDR17). Also called: MUSCULAR DYSTROPHY, LIMB-GIRDLE, AUTOSOMAL RECESSIVE 17. Identifiers: Orphanet 254361, MedGen C3150989, MONDO:0013390, OMIM 613723.
Epidermolysis bullosa simplex with nail dystrophy (EBS5D). Identifiers: MedGen C4225309, MONDO:0014661, OMIM 616487.
Epidermolysis bullosa simplex 5C, with pyloric atresia (EBS5C). Also called: Epidermolysis bullosa simplex with pyloric atresia; PLEC-Related Epidermolysis Bullosa with Pyloric Atresia; PLEC1-Related Epidermolysis Bullosa with Pyloric Atresia. Identifiers: Orphanet 158684, MedGen C2677349, MONDO:0012807, OMIM 612138.

Submission:

Labcorp Genetics (formerly Invitae), Labcorp
Classification: Uncertain significance for Autosomal recessive limb-girdle muscular dystrophy type 2Q; Epidermolysis bullosa simplex, Ogna type; Epidermolysis bullosa simplex with nail dystrophy; Epidermolysis bullosa simplex 5C, with pyloric atresia; Epidermolysis bullosa simplex 5B, with muscular dystrophy. Last evaluated: 2022-08-15. Review status: criteria provided, single submitter. Criteria: Invitae Variant Classification Sherloc (09022015). Collection method: clinical testing. Allele origin: germline.
Comment: This sequence change replaces alanine, which is neutral and non-polar, with aspartic acid, which is acidic and polar, at codon 817 of the PLEC protein (p.Ala817Asp). In summary, the available evidence is currently insufficient to determine the role of this variant in disease. Therefore, it has been classified as a Variant of Uncertain Significance. Algorithms developed to predict the effect of missense changes on protein structure and function are either unavailable or do not agree on the potential impact of this missense change (SIFT: "Deleterious"; PolyPhen-2: "Not Available"; Align-GVGD: "Class C15"). ClinVar contains an entry for this variant (Variation ID: 1384429). This variant has not been reported in the literature in individuals affected with PLEC-related conditions. This variant is not present in population databases (gnomAD no frequency).